The following is an entry in ClinVar:

ClinVar aggregate classification (germline): Likely pathogenic (1 of 4 stars; one submission).

Conditions:
Charcot-Marie-Tooth disease type 4H (CMT4H). Also called: CHARCOT-MARIE-TOOTH DISEASE, AUTOSOMAL RECESSIVE, TYPE 4H; CHARCOT-MARIE-TOOTH DISEASE, DEMYELINATING, AUTOSOMAL RECESSIVE, TYPE 4H; CHARCOT-MARIE-TOOTH NEUROPATHY, TYPE 4H; CHARCOT-MARIE-TOOTH DISEASE, DEMYELINATING, TYPE 4H. Identifiers: Orphanet 99954, MedGen C1836336, MONDO:0012250, OMIM 609311.

Submission:

Juno Genomics, Hangzhou Juno Genomics, Inc
Classification: Likely pathogenic for Charcot-Marie-Tooth disease type 4H. Review status: criteria provided, single submitter. Criteria: ACMG Guidelines, 2015. Collection method: clinical testing. Allele origin: germline.
Comment: Null variant in a gene where loss of function (LOF) is a known mechanism of disease.;Absent from controls (or at extremely low frequency if recessive) in Genome Aggregation Database.

NM_001370298.3(FGD4):c.1636del (p.Met546fs)

Gene: FGD4 (FYVE, RhoGEF and PH domain containing 4; plus strand). Cytogenetic location: 12p11.21.
Variant type: Deletion.
Coding change: c.1636del on transcript NM_001370298.3 (MANE Select); coding-DNA position 1636, one base deleted (A; older notation c.1636delA).
Protein change: p.Met546fs; shifts the reading frame from methionine 546.
Molecular consequence: frameshift variant.
Genome position (GRCh38, 1-based): chr12:32,611,170, A deleted; the last of 3 consecutive A bases (chr12:32,611,168-32,611,170); deleting any one gives the same sequence. VCF-style (leftmost placement, unchanged base first): chr12-32611167-GA-G. GRCh37 (hg19) VCF-style: chr12-32764101-GA-G.
Other names: c.1480del, p.Met494fs (NM_001304481.2); c.481del, p.Met161fs (NM_001304483.2); c.193del, p.Met65fs (NM_001304484.2); c.946del, p.Met316fs (NM_001330373.2, NM_001330374.2, NM_001384130.1); c.673del, p.Met225fs (NM_001370297.1); c.1636del, p.Met546fs (NM_001384126.1); c.1225del, p.Met409fs (NM_001384127.1, NM_001384128.1, NM_001385118.1 and 1 more transcripts); short protein forms M494fs, M546fs, M161fs, M409fs, M65fs, M316fs, M225fs.
Identifiers: ClinVar variation 5005093 (VCV005005093.2).